The following is an entry in ClinVar:

ClinVar aggregate classification (germline): Conflicting classifications of pathogenicity. Review status: criteria provided, conflicting classifications (1 of 4 stars). 3 submissions from 3 submitters: Uncertain significance (1); Likely benign (2). Last evaluated 2025-11-23.

Conditions:
Multiple congenital anomalies-hypotonia-seizures syndrome 1 (MCAHS1). Also called: GLYCOSYLPHOSPHATIDYLINOSITOL BIOSYNTHESIS DEFECT 3; PIGN-CDG; Congenital disorder of glycosylation due to PIGN deficiency. Identifiers: Orphanet 280633, MedGen C3279775, MONDO:0013563, OMIM 614080.
Inborn genetic diseases. Identifiers: MedGen C0950123, MeSH D030342.

Allele frequency attached by ClinVar (database versions not stated): gnomAD exomes 0.00004 and 0.00013; ExAC 0.00034; ESP Exome Variant Server 0.00042; gnomAD 0.00060 and 0.00064; TOPMed 0.00071; 1000 Genomes Project 30x 0.00078; 1000 Genomes Project 0.00080.
gnomAD v4.1: 145 of 1,528,126 alleles (0.0095%); highest among the groups gnomAD compares: African/African-American, 0.19%; no homozygotes.

Submissions (3):

Labcorp Genetics (formerly Invitae), Labcorp
Classification: Likely benign for Multiple congenital anomalies-hypotonia-seizures syndrome 1. Last evaluated: 2025-11-23. Review status: criteria provided, single submitter. Criteria: Invitae Variant Classification Sherloc (09022015). Collection method: clinical testing. Allele origin: germline.

GeneDx
Classification: Uncertain significance. Last evaluated: 2025-04-22. Review status: criteria provided, single submitter. Criteria: GeneDx Variant Classification Process June 2021. Collection method: clinical testing. Allele origin: germline. Affected: yes.
Comment: Has not been previously published as pathogenic or benign to our knowledge; In silico analysis is inconclusive as to whether the variant alters gene splicing. In the absence of RNA/functional studies, the actual effect of this sequence change is unknown.

Ambry Genetics
Classification: Likely benign for Inborn genetic diseases. Last evaluated: 2017-02-24. Review status: criteria provided, single submitter. Criteria: Ambry Variant Classification Scheme 2023. Collection method: clinical testing. Allele origin: germline.

NM_176787.5(PIGN):c.1860G>A (p.Val620=)

Gene: PIGN (phosphatidylinositol glycan anchor biosynthesis class N; minus strand). Cytogenetic location: 18q21.33.
Variant type: single nucleotide variant.
Coding change: c.1860G>A on transcript NM_176787.5 (MANE Select); coding-DNA position 1860, G replaced by A.
Protein change: p.Val620=; no amino-acid change (valine 620 retained).
Molecular consequence: synonymous variant.
Genome position (GRCh38, 1-based): chr18:62,102,902, C>T on the plus strand (G>A on the coding strand, the complement: PIGN is on the minus strand). VCF-style: chr18-62102902-C-T. GRCh37 (hg19) VCF-style: chr18-59770135-C-T.
Other names: c.1860G>A, p.Val620= (NM_012327.6).
Identifiers: ClinVar variation 588838 (VCV000588838.22), dbSNP rs374172871, ClinGen allele CA8982150.